The following is an entry in ClinVar:

NM_001349338.3(FOXP1):c.1841A>G (p.Asn614Ser)

Gene: FOXP1 (forkhead box P1; minus strand). Cytogenetic location: 3p13.
Variant type: single nucleotide variant.
Coding change: c.1841A>G on transcript NM_001349338.3 (MANE Select); coding-DNA position 1841, A replaced by G.
Protein change: p.Asn614Ser; replaces asparagine 614 with serine.
Molecular consequence: missense variant. On other transcripts: non-coding transcript variant (2).
Genome position (GRCh38, 1-based): chr3:70,965,938, T>C on the plus strand (A>G on the coding strand, the complement: FOXP1 is on the minus strand). VCF-style: chr3-70965938-T-C. GRCh37 (hg19) VCF-style: chr3-71015089-T-C.
Other names: c.1838A>G, p.Asn613Ser (NM_001244808.3, NM_001349341.3); c.1889A>G, p.Asn630Ser (NM_001244810.2); c.1613A>G, p.Asn538Ser (NM_001244812.3); c.1541A>G, p.Asn514Ser (NM_001244813.3, NM_001244815.2, NM_001349342.3); c.1841A>G, p.Asn614Ser (NM_001244814.3, NM_001244816.2, NM_001349340.3 and 1 more transcripts); c.1538A>G, p.Asn513Ser (NM_001349337.2, NM_001349343.3, NM_001349344.3 and 1 more transcripts); short protein forms N630S, N538S, N614S, N514S, N613S, N513S.
Identifiers: ClinVar variation 2825283 (VCV002825283.3), dbSNP rs2034670485, ClinGen allele CA353489509.
Genomic context (GRCh38, chr3:70,965,938, plus strand): 5'-GACAATACTCACACGGCTTGCATAGGAGATCTGCCTGGACTGCTGTCACTCTCGTTGCTG[T>C]TGGTATGCTCCATTGCCCCGTTCAGCTCTTCCCGTATTGCGCTGGCTAAGTTGCCCAGAG-3'
Protein context (NP_001336267.1, residues 604-624): EELNGAMEHT[Asn614Ser]SNESDSSPGR

ClinVar aggregate classification (germline): Uncertain significance (1 of 4 stars; one submission).

Allele frequency attached by ClinVar (database versions not stated): TOPMed below 0.00001.

Submission:

Labcorp Genetics (formerly Invitae), Labcorp
Classification: Uncertain significance. Last evaluated: 2023-01-08. Review status: criteria provided, single submitter. Criteria: Invitae Variant Classification Sherloc (09022015). Collection method: clinical testing. Allele origin: germline.
Comment: This sequence change replaces asparagine, which is neutral and polar, with serine, which is neutral and polar, at codon 614 of the FOXP1 protein (p.Asn614Ser). This variant is not present in population databases (gnomAD no frequency). In summary, the available evidence is currently insufficient to determine the role of this variant in disease. Therefore, it has been classified as a Variant of Uncertain Significance. Advanced modeling of protein sequence and biophysical properties (such as structural, functional, and spatial information, amino acid conservation, physicochemical variation, residue mobility, and thermodynamic stability) performed at Invitae indicates that this missense variant is not expected to disrupt FOXP1 protein function. This variant has not been reported in the literature in individuals affected with FOXP1-related conditions.